The following is an entry in ClinVar:

NM_025114.4(CEP290):c.3056A>G (p.Glu1019Gly)

Gene: CEP290 (centrosomal protein 290; minus strand). Cytogenetic location: 12q21.32.
Variant type: single nucleotide variant.
Coding change: c.3056A>G on transcript NM_025114.4 (MANE Select); coding-DNA position 3056, A replaced by G.
Protein change: p.Glu1019Gly; replaces glutamic acid 1019 with glycine.
Molecular consequence: missense variant.
Genome position (GRCh38, 1-based): chr12:88,096,935, T>C on the plus strand (A>G on the coding strand, the complement: CEP290 is on the minus strand). VCF-style: chr12-88096935-T-C. GRCh37 (hg19) VCF-style: chr12-88490712-T-C.
Other names: short protein forms E1019G.
Identifiers: ClinVar variation 1337591 (VCV001337591.7), dbSNP rs746666486, ClinGen allele CA6712222.
Genomic context (GRCh38, chr12:88,096,935, plus strand): 5'-TCATAAAACTTACCTAATTTAGTTTCCTGTTCCCAGGCTTGTTCAATAGTGTGAAGTTTT[T>C]CCTTGGTAATCTCCAGTTCTTTATTTATAGACTCCACTTGTTCTTTTAAGGAGATGTTTT-3'
Protein context (NP_079390.3, residues 1009-1029): SINKELEITK[Glu1019Gly]KLHTIEQAWE

ClinVar aggregate classification (germline): Uncertain significance. Review status: criteria provided, multiple submitters, no conflicts (2 of 4 stars). 3 submissions from 3 submitters: Uncertain significance (2). 1 of the submissions does not count toward it. Last evaluated 2023-07-14.

Conditions:
CEP290-related disorder. Also called: CEP290-related condition; CEP290-related disorders. Identifiers: MedGen CN239314.

Allele frequency attached by ClinVar (database versions not stated): TOPMed 0.00001; gnomAD 0.00002; gnomAD exomes 0.00002 and 0.00003; ExAC 0.00014.
gnomAD v4.1: 29 of 1,583,736 alleles (0.0018%); highest among the groups gnomAD compares: Admixed American, 0.0035%; no homozygotes.

Submissions (3):

Blueprint Genetics
Classification: Uncertain significance. Last evaluated: 2023-07-14. Review status: criteria provided, single submitter. Criteria: ACMG Guidelines, 2015. Collection method: clinical testing. Allele origin: germline.

Genetic Services Laboratory, University of Chicago
Classification: Uncertain significance. Last evaluated: 2020-04-22. Review status: criteria provided, single submitter. Criteria: ACMG Guidelines, 2015. Collection method: clinical testing. Allele origin: germline. Affected: no.

PreventionGenetics, part of Exact Sciences
Classification: Uncertain significance for CEP290-related condition. Last evaluated: 2024-07-30. Review status: no assertion criteria provided. Collection method: clinical testing. Allele origin: germline. Not counted in ClinVar's aggregate classification.
Comment: The CEP290 c.3056A>G variant is predicted to result in the amino acid substitution p.Glu1019Gly. To our knowledge, this variant has not been reported in the literature. This variant is reported in 0.0067% of alleles in individuals of European (Non-Finnish) descent in gnomAD. At this time, the clinical significance of this variant is uncertain due to the absence of conclusive functional and genetic evidence.